The following is an entry in ClinVar:

ClinVar aggregate classification (germline): Uncertain significance (1 of 4 stars; one submission).

Allele frequency attached by ClinVar (database versions not stated): gnomAD exomes below 0.00001; TOPMed below 0.00001; ExAC 0.00001; gnomAD 0.00001; ESP Exome Variant Server 0.00008.
gnomAD v4.1: 2 of 1,613,918 alleles (0.00012%); highest among the groups gnomAD compares: Non-Finnish European, 0.00017%; no homozygotes.

Submission:

Ambry Genetics
Classification: Uncertain significance. Last evaluated: 2024-01-11. Review status: criteria provided, single submitter. Criteria: Ambry Variant Classification Scheme 2023. Collection method: clinical testing. Allele origin: germline.
Comment: The p.V110M variant (also known as c.328G>A), located in coding exon 3 of the BUB3 gene, results from a G to A substitution at nucleotide position 328. The valine at codon 110 is replaced by methionine, an amino acid with highly similar properties. This amino acid position is conserved. In addition, the in silico prediction for this alteration is inconclusive. Since supporting evidence is limited at this time, the clinical significance of this alteration remains unclear.

NM_004725.4(BUB3):c.328G>A (p.Val110Met)

Gene: BUB3 (BUB3 mitotic checkpoint protein; plus strand). Cytogenetic location: 10q26.13.
Variant type: single nucleotide variant.
Coding change: c.328G>A on transcript NM_004725.4 (MANE Select); coding-DNA position 328, G replaced by A.
Protein change: p.Val110Met; replaces valine 110 with methionine.
Molecular consequence: missense variant.
Genome position (GRCh38, 1-based): chr10:123,157,791, G>A. VCF-style: chr10-123157791-G-A. GRCh37 (hg19) VCF-style: chr10-124917307-G-A.
Other names: c.328G>A, p.Val110Met (NM_001007793.3); short protein forms V110M.
Identifiers: ClinVar variation 1729831 (VCV001729831.2), dbSNP rs146410251, ClinGen allele CA5731571.
Genomic context (GRCh38, chr10:123,157,791, plus strand): 5'-AATCTTGTTGGGACCCATGATGCCCCTATCAGATGTGTTGAATACTGTCCAGAAGTGAAT[G>A]TGATGGTCACTGGAAGTTGGGATCAGACAGTTAAACTGTGGGATCCCAGAACTCCTTGTA-3'
Protein context (NP_004716.1, residues 100-120): RCVEYCPEVN[Val110Met]MVTGSWDQTV